The following is an entry in ClinVar:

ClinVar aggregate classification (germline): Benign/Likely benign. Review status: criteria provided, multiple submitters, no conflicts (2 of 4 stars). 8 submissions from 8 submitters: Benign (3); Likely benign (4). 1 of the submissions does not count toward it. Last evaluated 2026-01-21.

Conditions:
MAP2K2-related disorder. Also called: MAP2K2-related condition.
Cardiovascular phenotype. Identifiers: MedGen CN230736.
RASopathy. Also called: rasopathies; Noonan spectrum disorder. Identifiers: Orphanet 536391, MedGen C5555857, MONDO:0021060.

Allele frequency attached by ClinVar (database versions not stated): gnomAD exomes 0.00022 and 0.00012; ESP Exome Variant Server 0.00023; 1000 Genomes Project 30x 0.00031; gnomAD 0.00011 and 0.00012; ExAC 0.00012; TOPMed 0.00017; 1000 Genomes Project 0.00020.
gnomAD v4.1: 340 of 1,608,744 alleles (0.021%); highest among the groups gnomAD compares: Non-Finnish European, 0.026%; no homozygotes.

Submissions (8):

Labcorp Genetics (formerly Invitae), Labcorp
Classification: Likely benign for RASopathy. Last evaluated: 2026-01-21. Review status: criteria provided, single submitter. Criteria: Invitae Variant Classification Sherloc (09022015). Collection method: clinical testing. Allele origin: germline.

Blueprint Genetics
Classification: Likely benign. Last evaluated: 2024-10-21. Review status: criteria provided, single submitter. Criteria: ACMG Guidelines, 2015. Collection method: clinical testing. Allele origin: germline.

CeGaT Center for Human Genetics Tuebingen
Classification: Likely benign. Last evaluated: 2022-11-01. Review status: criteria provided, single submitter. Criteria: CeGaT Center For Human Genetics Tuebingen Variant Classification Criteria Version 2. Collection method: clinical testing. Allele origin: germline. Affected: yes. Observed: 1 variant allele.
Comment: MAP2K2: BP4, BP7

Ambry Genetics
Classification: Likely benign for Cardiovascular phenotype. Last evaluated: 2022-07-06. Review status: criteria provided, single submitter. Criteria: Ambry Variant Classification Scheme 2023. Collection method: clinical testing. Allele origin: germline.

Women's Health and Genetics/Laboratory Corporation of America, LabCorp
Classification: Benign. Last evaluated: 2017-08-10. Review status: criteria provided, single submitter. Criteria: LabCorp Variant Classification Summary - May 2015. Collection method: clinical testing. Allele origin: germline.
Comment: Variant summary: The MAP2K2 c.981C>T (p.Asn327Asn) variant involves the alteration of a non-conserved nucleotide, resulting in a synonymous change. One in silico tool predicts a damaging outcome for this variant. 5/5 splice prediction tools predict no significant impact on normal splicing. However, these predictions have yet to be confirmed by functional studies. This variant was found in 14/119582 control chromosomes at a frequency of 0.0001171, which is approximately 47 times the estimated maximal expected allele frequency of a pathogenic MAP2K2 variant (0.0000025), suggesting this variant is likely a benign polymorphism. In addition, multiple clinical diagnostic laboratories/reputable databases classified this variant as likely benign/benign. The variant of interest has not, to our knowledge, been reported in affected individuals via publications nor evaluated for functional impact by in vivo/vitro studies. Taken together, this variant is classified as benign.

GeneDx
Classification: Benign. Last evaluated: 2015-03-03. Review status: criteria provided, single submitter. Criteria: GeneDx Variant Classification Process June 2021. Collection method: clinical testing. Allele origin: germline. Affected: yes.

Laboratory for Molecular Medicine, Mass General Brigham Personalized Medicine
Classification: Benign. Last evaluated: 2011-06-09. Review status: criteria provided, single submitter. Criteria: LMM Criteria. Collection method: clinical testing. Allele origin: germline. Observed: 4 variant alleles.
Comment: Asn327Asn in exon 8 of MEK2: This variant is not expected to have clinical or pa thological significance because it does not alter an amino acid residue and is n ot located near a splice junction. This variant has been identified in 2/732 (0. 2%) of Caucasian probands tested by our laboratory; one of those individuals als o had a pathogenic RAF1 variant.

PreventionGenetics, part of Exact Sciences
Classification: Likely benign for MAP2K2-related condition. Last evaluated: 2019-03-18. Review status: no assertion criteria provided. Collection method: clinical testing. Allele origin: germline. Not counted in ClinVar's aggregate classification.
Comment: This variant is classified as likely benign based on ACMG/AMP sequence variant interpretation guidelines (Richards et al. 2015 PMID: 25741868, with internal and published modifications).

NM_030662.4(MAP2K2):c.981C>T (p.Asn327=)

Gene: MAP2K2 (mitogen-activated protein kinase kinase 2; minus strand). Cytogenetic location: 19p13.3.
Variant type: single nucleotide variant.
Coding change: c.981C>T on transcript NM_030662.4 (MANE Select); coding-DNA position 981, C replaced by T.
Protein change: p.Asn327=; no amino-acid change (asparagine 327 retained).
Molecular consequence: synonymous variant.
Genome position (GRCh38, 1-based): chr19:4,097,282, G>A on the plus strand (C>T on the coding strand, the complement: MAP2K2 is on the minus strand). VCF-style: chr19-4097282-G-A. GRCh37 (hg19) VCF-style: chr19-4097280-G-A.
Other names: p.N327N.
Identifiers: ClinVar variation 40840 (VCV000040840.46), dbSNP rs143275018, ClinGen allele CA137982.